The following is an entry in ClinVar:

NM_005337.5(NCKAP1L):c.915C>T (p.Thr305=)

Gene: NCKAP1L (NCK associated protein 1 like; plus strand). Cytogenetic location: 12q13.2.
Variant type: single nucleotide variant.
Coding change: c.915C>T on transcript NM_005337.5 (MANE Select); coding-DNA position 915, C replaced by T.
Protein change: p.Thr305=; no amino-acid change (threonine 305 retained).
Molecular consequence: synonymous variant.
Genome position (GRCh38, 1-based): chr12:54,512,079, C>T. VCF-style: chr12-54512079-C-T. GRCh37 (hg19) VCF-style: chr12-54905863-C-T.
Other names: c.765C>T, p.Thr255= (NM_001184976.2); c.915C>T (NM_005337.4).
Identifiers: ClinVar variation 2066071 (VCV002066071.14), dbSNP rs146168841, ClinGen allele CA6608959.

ClinVar aggregate classification (germline): Benign/Likely benign. Review status: criteria provided, multiple submitters, no conflicts (2 of 4 stars). 3 submissions from 3 submitters: Benign (1); Likely benign (1). 1 of the submissions does not count toward it. Last evaluated 2026-01-29.

Conditions:
NCKAP1L-related disorder. Also called: NCKAP1L-related condition.

Allele frequency attached by ClinVar (database versions not stated): 1000 Genomes Project 0.00020; 1000 Genomes Project 30x 0.00031; ESP Exome Variant Server 0.00062; TOPMed 0.00076; ExAC 0.00078; gnomAD 0.00080.
gnomAD v4.1: 1,667 of 1,614,020 alleles (0.1%); highest among the groups gnomAD compares: Non-Finnish European, 0.11%; no homozygotes.

Submissions (3):

Labcorp Genetics (formerly Invitae), Labcorp
Classification: Benign. Last evaluated: 2026-01-29. Review status: criteria provided, single submitter. Criteria: Invitae Variant Classification Sherloc (09022015). Collection method: clinical testing. Allele origin: germline.

CeGaT Center for Human Genetics Tuebingen
Classification: Likely benign. Last evaluated: 2025-08-01. Review status: criteria provided, single submitter. Criteria: CeGaT Center For Human Genetics Tuebingen Variant Classification Criteria Version 2. Collection method: clinical testing. Allele origin: germline. Affected: yes. Observed: 1 variant allele.
Comment: NCKAP1L: BP4, BP7

PreventionGenetics, part of Exact Sciences
Classification: Likely benign for NCKAP1L-related condition. Last evaluated: 2022-08-16. Review status: no assertion criteria provided. Collection method: clinical testing. Allele origin: germline. Not counted in ClinVar's aggregate classification.
Comment: This variant is classified as likely benign based on ACMG/AMP sequence variant interpretation guidelines (Richards et al. 2015 PMID: 25741868, with internal and published modifications).